The following is an entry in ClinVar:

NM_005546.4(ITK):c.1449+7G>T

Gene: ITK (IL2 inducible T cell kinase; plus strand). Cytogenetic location: 5q33.3.
Variant type: single nucleotide variant.
Coding change: c.1449+7G>T on transcript NM_005546.4 (MANE Select); 7 bases into the intron after coding-DNA position 1449, G replaced by T.
Molecular consequence: intron variant.
Genome position (GRCh38, 1-based): chr5:157,244,485, G>T. VCF-style: chr5-157244485-G-T. GRCh37 (hg19) VCF-style: chr5-156671495-G-T.
Other names: c.1449+7G>T (NM_005546.3).
Identifiers: ClinVar variation 1093836 (VCV001093836.11), dbSNP rs779098639, ClinGen allele CA130159444.

ClinVar aggregate classification (germline): Likely benign. Review status: criteria provided, single submitter (1 of 4 stars). 2 submissions from 2 submitters: Likely benign (1). 1 of the submissions does not count toward it. Last evaluated 2024-07-15.

Conditions:
Lymphoproliferative syndrome 1 (LPFS1). Identifiers: Orphanet 238505, Orphanet 538963, MedGen C3552634, MONDO:0013081, OMIM 613011.
ITK-related disorder. Also called: ITK-related condition.

Allele frequency attached by ClinVar (database versions not stated): gnomAD 0.00001; TOPMed 0.00003.
gnomAD v4.1: 10 of 1,547,796 alleles (0.00065%); highest among the groups gnomAD compares: African/African-American, 0.0041%; no homozygotes.

Submissions (2):

Labcorp Genetics (formerly Invitae), Labcorp
Classification: Likely benign for Lymphoproliferative syndrome 1. Last evaluated: 2024-07-15. Review status: criteria provided, single submitter. Criteria: Invitae Variant Classification Sherloc (09022015). Collection method: clinical testing. Allele origin: germline.

PreventionGenetics, part of Exact Sciences
Classification: Likely benign for ITK-related condition. Last evaluated: 2021-02-19. Review status: no assertion criteria provided. Collection method: clinical testing. Allele origin: germline. Not counted in ClinVar's aggregate classification.
Comment: This variant is classified as likely benign based on ACMG/AMP sequence variant interpretation guidelines (Richards et al. 2015 PMID: 25741868, with internal and published modifications).